The following is an entry in ClinVar:

NM_000038.6(APC):c.1149C>T (p.Ala383=)

Gene: APC (APC regulator of Wnt signaling pathway; plus strand). Cytogenetic location: 5q22.2.
Variant type: single nucleotide variant.
Coding change: c.1149C>T on transcript NM_000038.6 (MANE Select); coding-DNA position 1149, C replaced by T.
Protein change: p.Ala383=; no amino-acid change (alanine 383 retained).
Molecular consequence: synonymous variant. On other transcripts: non-coding transcript variant (2), intron variant (15).
Genome position (GRCh38, 1-based): chr5:112,819,181, C>T. VCF-style: chr5-112819181-C-T. GRCh37 (hg19) VCF-style: chr5-112154878-C-T.
Other names: c.1065C>T, p.Ala355= (NM_001407452.1, NM_001354899.2); c.972C>T, p.Ala324= (NM_001407453.1, NM_001354900.2, NM_001354901.2); c.300C>T, p.Ala100= (NM_001407470.1, NM_001354906.2); c.85-88C>T (NM_001407472.1, NM_001407471.1); c.934-88C>T (NM_001407456.1, NM_001407460.1, NM_001407457.1 and 5 more transcripts); c.850-88C>T (NM_001407469.1, NM_001407467.1); c.964-88C>T (NM_001354902.2); c.859-88C>T (NM_001354904.2); and 5 more.
Identifiers: ClinVar variation 3148654 (VCV003148654.1), dbSNP rs2149781739, ClinGen allele CA445960313.
Genomic context (GRCh38, chr5:112,819,181, plus strand): 5'-TGACAAAGACTCTGTATTGTTGGGAAATTCCCGGGGCAGTAAAGAGGCTCGGGCCAGGGC[C>T]AGTGCAGCACTCCACAACATCATTCACTCACAGCCTGATGACAAGAGAGGCAGGCGTGAA-3'
Protein context (NP_000029.2, residues 373-393): SRGSKEARAR[Ala383=]SAALHNIIHS

ClinVar aggregate classification (germline): Benign (1 of 4 stars; one submission).

Conditions:
Familial adenomatous polyposis 1 (FAP1). Also called: POLYPOSIS, ADENOMATOUS INTESTINAL; FAMILIAL ADENOMATOUS POLYPOSIS 1, ATTENUATED. Identifiers: MedGen C2713442, MONDO:0021056, OMIM 175100. Disease mechanism: loss of function.

Submission:

Myriad Genetics, Inc.
Classification: Benign for Familial adenomatous polyposis 1. Last evaluated: 2024-03-01. Review status: criteria provided, single submitter. Criteria: Myriad Autosomal Dominant, Autosomal Recessive and X-Linked Classification Criteria (2023). Collection method: clinical testing. Allele origin: unknown.
Comment: This variant is considered benign. This variant is a silent/synonymous amino acid change and it is not expected to impact splicing.